The following is an entry in ClinVar:

ClinVar aggregate classification (germline): Conflicting classifications of pathogenicity. Review status: criteria provided, conflicting classifications (1 of 4 stars). 12 submissions from 12 submitters: Uncertain significance (9); Likely benign (3). Last evaluated 2026-08-07.

Conditions:
Cardiovascular phenotype. Identifiers: MedGen CN230736.
Cardiomyopathy (CMYO). Also called: Cardiomyopathies. Identifiers: Orphanet 167848, MedGen C0878544, MONDO:0004994, HP:0001638. Inheritance: Various modes of inheritance.
Dilated cardiomyopathy 1DD (CMD1DD). Identifiers: Orphanet 154, MedGen C2750995, MONDO:0013168, OMIM 613172.

Allele frequency attached by ClinVar (database versions not stated): ExAC 0.00010; TOPMed 0.00011; gnomAD exomes 0.00014 and 0.00025; gnomAD 0.00016; ESP Exome Variant Server 0.00022.
gnomAD v4.1: 368 of 1,551,550 alleles (0.024%); highest among the groups gnomAD compares: Non-Finnish European, 0.032%; no homozygotes.

Submissions (12):

GeneDx
Classification: Uncertain significance. Last evaluated: 2026-08-07. Review status: criteria provided, single submitter. Criteria: GeneDx Variant Classification Process June 2021. Collection method: clinical testing. Allele origin: germline.
Comment: Reported in association with sudden unexplained death and dilated cardiomyopathy; however, additional variants in cardiac-related genes were identified in some individuals (PMID: 29517769, 26272908, 29650543, 31737537); Identified in an abstract by Dabbagh in a patient with inflammation of the left ventricle, MVP, atrial fibrillation, NSVT, and PVCs (Dabbagh et al., 2022); In silico analysis supports that this missense variant has a deleterious effect on protein structure/function; This variant is associated with the following publications: (PMID: 26272908, 29650543, 31737537, 33671899, Dabbagh2022[abstract], 36367695, 37652022, 30847666, 29517769)

CeGaT Center for Human Genetics Tuebingen
Classification: Uncertain significance. Last evaluated: 2026-06-01. Review status: criteria provided, single submitter. Criteria: CeGaT Center For Human Genetics Tuebingen Variant Classification Criteria Version 2. Collection method: clinical testing. Allele origin: germline. Affected: yes. Observed: 1 variant allele.

Ambry Genetics
Classification: Uncertain significance for Cardiovascular phenotype. Last evaluated: 2026-02-17. Review status: criteria provided, single submitter. Criteria: Ambry Variant Classification Scheme 2023. Collection method: clinical testing. Allele origin: germline.
Comment: The c.2042A>G (p.Y681C) alteration is located in exon 9 (coding exon 9) of the RBM20 gene. This alteration results from a A to G substitution at nucleotide position 2042, causing the tyrosine (Y) at amino acid position 681 to be replaced by a cysteine (C). Based on data from gnomAD, the G allele has an overall frequency of 0.012% (23/186630) total alleles studied. The highest observed frequency was 0.037% (2/5438) of Other alleles. Based on insufficient or conflicting evidence, the clinical significance of this alteration remains unclear.

Labcorp Genetics (formerly Invitae), Labcorp
Classification: Likely benign for Dilated cardiomyopathy 1DD. Last evaluated: 2026-02-01. Review status: criteria provided, single submitter. Criteria: Invitae Variant Classification Sherloc (09022015). Collection method: clinical testing. Allele origin: germline.

Women's Health and Genetics/Laboratory Corporation of America, LabCorp
Classification: Likely benign. Last evaluated: 2025-11-12. Review status: criteria provided, single submitter. Criteria: LabCorp Variant Classification Summary - May 2015. Collection method: clinical testing. Allele origin: germline.
Comment: Variant summary: RBM20 c.2042A>G (p.Tyr681Cys) results in a non-conservative amino acid change in the encoded protein sequence. Algorithms developed to predict the effect of missense changes on protein structure and function are either unavailable or do not agree on the potential impact of this missense change. The variant allele was found at a frequency of 0.00014 in 155258 control chromosomes, predominantly at a frequency of 0.0003 within the Non-Finnish European subpopulation in the gnomAD database. The observed variant frequency within Non-Finnish European control individuals in the gnomAD database exceeds the estimated maximal expected allele frequency for disease-causing variants in RBM20. c.2042A>G has been observed in individuals affected with cardiomyopathy, without strong evidence for causality, including at least one affected individual who had a co-occurring pathogenic variant in a different cardiomyopathy-related gene. These reports do not provide unequivocal conclusions about association of the variant with Dilated Cardiomyopathy. To our knowledge, no experimental evidence demonstrating an impact on protein function has been reported. The following publications have been ascertained in the context of this evaluation (PMID: 32972544, 37652022, 40222661, 29650543). ClinVar contains an entry for this variant (Variation ID: 418454). Based on the evidence outlined above, the variant was classified as likely benign.

Molecular Diagnostic Laboratory for Inherited Cardiovascular Disease, Montreal Heart Institute
Classification: Uncertain significance for Cardiovascular phenotype. Last evaluated: 2025-04-09. Review status: criteria provided, single submitter. Criteria: ACMG Guidelines, 2015. Collection method: clinical testing. Allele origin: germline. Affected: yes.

Mayo Clinic Laboratories, Mayo Clinic
Classification: Uncertain significance. Last evaluated: 2025-02-22. Review status: criteria provided, single submitter. Criteria: ACMG Guidelines, 2015. Collection method: clinical testing. Allele origin: germline. Observed: 1 variant allele.

Blueprint Genetics
Classification: Likely benign. Last evaluated: 2024-10-04. Review status: criteria provided, single submitter. Criteria: ACMG Guidelines, 2015. Collection method: clinical testing. Allele origin: germline.

Department of Pathology and Laboratory Medicine, Sinai Health System
Classification: Uncertain significance for Dilated cardiomyopathy 1DD. Last evaluated: 2022-09-27. Review status: criteria provided, single submitter. Criteria: ACMG Guidelines, 2015. Collection method: research. Allele origin: germline.

Fulgent Genetics
Classification: Uncertain significance for Dilated cardiomyopathy 1DD. Last evaluated: 2021-07-26. Review status: criteria provided, single submitter. Criteria: ACMG Guidelines, 2015. Collection method: clinical testing. Allele origin: unknown.

CHEO Genetics Diagnostic Laboratory, Children's Hospital of Eastern Ontario
Classification: Uncertain significance for Cardiomyopathy. Last evaluated: 2019-05-17. Review status: criteria provided, single submitter. Criteria: ACMG Guidelines, 2015. Collection method: clinical testing. Allele origin: germline.

MVZ Martinsried, Medicover Genetics
Classification: Uncertain significance for Dilated cardiomyopathy 1DD. Last evaluated: 2017-08-09. Review status: criteria provided, single submitter. Criteria: ACMG Guidelines, 2015. Collection method: clinical testing. Allele origin: unknown. Affected: yes.

Literature cited by the submitters: PubMed 32972544 (cited by Women's Health and Genetics/Laboratory Corporation of America, LabCorp); PubMed 37652022 (cited by Women's Health and Genetics/Laboratory Corporation of America, LabCorp and Mayo Clinic Laboratories, Mayo Clinic); PubMed 40222661 (cited by Women's Health and Genetics/Laboratory Corporation of America, LabCorp); PubMed 29650543 (cited by Women's Health and Genetics/Laboratory Corporation of America, LabCorp and Mayo Clinic Laboratories, Mayo Clinic); PubMed 26272908 (cited by Mayo Clinic Laboratories, Mayo Clinic); PubMed 29517769 (cited by Mayo Clinic Laboratories, Mayo Clinic); PubMed 30847666 (cited by Mayo Clinic Laboratories, Mayo Clinic); PubMed 31737537 (cited by Mayo Clinic Laboratories, Mayo Clinic); PubMed 33671899 (cited by Mayo Clinic Laboratories, Mayo Clinic); PubMed 36367695 (cited by Mayo Clinic Laboratories, Mayo Clinic).

NM_001134363.3(RBM20):c.2042A>G (p.Tyr681Cys)

Gene: RBM20 (RNA binding motif protein 20; plus strand). Cytogenetic location: 10q25.2.
Variant type: single nucleotide variant.
Coding change: c.2042A>G on transcript NM_001134363.3 (MANE Select); coding-DNA position 2042, A replaced by G.
Protein change: p.Tyr681Cys; replaces tyrosine 681 with cysteine.
Molecular consequence: missense variant.
Genome position (GRCh38, 1-based): chr10:110,812,439, A>G. VCF-style: chr10-110812439-A-G. GRCh37 (hg19) VCF-style: chr10-112572197-A-G.
Other names: p.Tyr681Cys; c.2042A>G (LRG_382t1); short protein forms Y681C.
Identifiers: ClinVar variation 418454 (VCV000418454.31), dbSNP rs372048968, ClinGen allele CA5688663.
Genomic context (GRCh38, chr10:110,812,439, plus strand): 5'-CTCCGGGCCCCTCCCGGGCTGACTGGGGCAATGGCCGGGACTCCTGGGAGCACTCTCCCT[A>G]TGCCAGGAGGGAGGAAGAGCGAGACCCGGCTCCCTGGAGGGACAACGGAGATGACAAGAG-3'
Protein context (NP_001127835.2, residues 671-691): NGRDSWEHSP[Tyr681Cys]ARREEERDPA